The following is an entry in ClinVar:

NM_020442.6(VARS2):c.607G>A (p.Gly203Arg)

Gene: VARS2 (valyl-tRNA synthetase 2, mitochondrial; plus strand). Cytogenetic location: 6p21.33.
Variant type: single nucleotide variant.
Coding change: c.607G>A on transcript NM_020442.6 (MANE Select); coding-DNA position 607, G replaced by A.
Protein change: p.Gly203Arg; replaces glycine 203 with arginine.
Molecular consequence: missense variant.
Genome position (GRCh38, 1-based): chr6:30,916,185, G>A. VCF-style: chr6-30916185-G-A. GRCh37 (hg19) VCF-style: chr6-30883962-G-A.
Other names: c.187G>A, p.Gly63Arg (NM_001167733.3); c.697G>A, p.Gly233Arg (NM_001167734.2); short protein forms G203R, G233R, G63R.
Identifiers: ClinVar variation 506357 (VCV000506357.44), dbSNP rs73430135, ClinGen allele CA3705666.

ClinVar aggregate classification (germline): Benign/Likely benign. Review status: criteria provided, multiple submitters, no conflicts (2 of 4 stars). 6 submissions from 6 submitters: Benign (4); Likely benign (1). 1 of the submissions does not count toward it. Last evaluated 2026-01-08.

Conditions:
VARS2-related disorder. Also called: VARS2-related disorders; VARS2-related condition.

Allele frequency attached by ClinVar (database versions not stated): gnomAD exomes 0.00030 and 0.00098; ExAC 0.00126; ESP Exome Variant Server 0.00323; gnomAD 0.00326 and 0.00342; TOPMed 0.00346; 1000 Genomes Project 0.00419; 1000 Genomes Project 30x 0.00547.
gnomAD v4.1: 946 of 1,614,018 alleles (0.059%); highest among the groups gnomAD compares: African/African-American, 1%; 4 homozygotes.

Submissions (6):

Labcorp Genetics (formerly Invitae), Labcorp
Classification: Benign. Last evaluated: 2026-01-08. Review status: criteria provided, single submitter. Criteria: Invitae Variant Classification Sherloc (09022015). Collection method: clinical testing. Allele origin: germline.

PreventionGenetics, part of Exact Sciences
Classification: Benign for VARS2-related condition. Last evaluated: 2025-12-29. Review status: criteria provided, single submitter. Criteria: ACMG Guidelines, 2015. Collection method: clinical testing. Allele origin: germline.
Comment: This variant is classified as benign based on ACMG/AMP sequence variant interpretation guidelines (Richards et al. 2015 PMID: 25741868, with internal and published modifications).

Blueprint Genetics
Classification: Likely benign. Last evaluated: 2024-07-18. Review status: criteria provided, single submitter. Criteria: ACMG Guidelines, 2015. Collection method: clinical testing. Allele origin: germline.

CeGaT Center for Human Genetics Tuebingen
Classification: Benign. Last evaluated: 2023-05-01. Review status: criteria provided, single submitter. Criteria: CeGaT Center For Human Genetics Tuebingen Variant Classification Criteria Version 2. Collection method: clinical testing. Allele origin: germline. Affected: yes. Observed: 2 variant alleles.
Comment: VARS2: BP4, BS1, BS2

GeneDx
Classification: Benign. Last evaluated: 2020-01-30. Review status: criteria provided, single submitter. Criteria: GeneDx Variant Classification Process June 2021. Collection method: clinical testing. Allele origin: germline. Affected: yes.

Mayo Clinic Laboratories, Mayo Clinic
Classification: Likely benign. Last evaluated: 2016-03-16. Review status: no assertion criteria provided. Collection method: clinical testing. Allele origin: unknown. Not counted in ClinVar's aggregate classification.